The following is an entry in ClinVar:

NM_152383.5(DIS3L2):c.1353G>C (p.Glu451Asp)

Gene: DIS3L2 (DIS3 like 3'-5' exoribonuclease 2; plus strand). Cytogenetic location: 2q37.1.
Variant type: single nucleotide variant.
Coding change: c.1353G>C on transcript NM_152383.5 (MANE Select); coding-DNA position 1353, G replaced by C.
Protein change: p.Glu451Asp; replaces glutamic acid 451 with aspartic acid.
Molecular consequence: missense variant. On other transcripts: non-coding transcript variant (2).
Genome position (GRCh38, 1-based): chr2:232,249,274, G>C. VCF-style: chr2-232249274-G-C. GRCh37 (hg19) VCF-style: chr2-233113984-G-C.
Other names: c.1353G>C, p.Glu451Asp (NM_001257281.2); short protein forms E451D.
Identifiers: ClinVar variation 1014882 (VCV001014882.8), dbSNP rs1413480231, ClinGen allele CA351155422.

ClinVar aggregate classification (germline): Uncertain significance (1 of 4 stars; one submission).

Conditions:
Perlman syndrome (PRLMNS). Identifiers: Orphanet 2849, MedGen C0796113, MONDO:0009965, OMIM 267000.

gnomAD v4.1: 1 of 1,614,202 alleles (0.000062%); highest among the groups gnomAD compares: South Asian, 0.0011%; no homozygotes.

Submission:

Labcorp Genetics (formerly Invitae), Labcorp
Classification: Uncertain significance for Perlman syndrome. Last evaluated: 2022-11-29. Review status: criteria provided, single submitter. Criteria: Invitae Variant Classification Sherloc (09022015). Collection method: clinical testing. Allele origin: germline.
Comment: In summary, the available evidence is currently insufficient to determine the role of this variant in disease. Therefore, it has been classified as a Variant of Uncertain Significance. Advanced modeling of protein sequence and biophysical properties (such as structural, functional, and spatial information, amino acid conservation, physicochemical variation, residue mobility, and thermodynamic stability) performed at Invitae indicates that this missense variant is not expected to disrupt DIS3L2 protein function. ClinVar contains an entry for this variant (Variation ID: 1014882). This variant has not been reported in the literature in individuals affected with DIS3L2-related conditions. This variant is not present in population databases (gnomAD no frequency). This sequence change replaces glutamic acid, which is acidic and polar, with aspartic acid, which is acidic and polar, at codon 451 of the DIS3L2 protein (p.Glu451Asp).